The following is an entry in ClinVar:

ClinVar aggregate classification (germline): Uncertain significance (1 of 4 stars; one submission).

Conditions:
Osteogenesis imperfecta type I (OI1). Also called: Lobstein disease; OI, TYPE I; OSTEOGENESIS IMPERFECTA TARDA; OSTEOGENESIS IMPERFECTA WITH BLUE SCLERAE; Osteogenesis imperfecta type 1; Lobstein's Disease. Identifiers: Orphanet 216796, Orphanet 666, MedGen C0023931, MONDO:0008146, OMIM 166200. Disease mechanism: loss of function.
Ehlers-Danlos syndrome, classic type, 1 (EDSCL1). Also called: EDS I; EHLERS-DANLOS SYNDROME, GRAVIS TYPE; EHLERS-DANLOS SYNDROME, SEVERE CLASSIC TYPE; Ehlers-Danlos syndrome, type 1; Ehlers-Danlos Syndrome, Classic Type, COL5A1-Related. Identifiers: MedGen C0268335, MONDO:0019567, OMIM 130000.

Submission:

Labcorp Genetics (formerly Invitae), Labcorp
Classification: Uncertain significance for Osteogenesis imperfecta type I; Ehlers-Danlos syndrome, classic type, 1. Last evaluated: 2022-11-12. Review status: criteria provided, single submitter. Criteria: Invitae Variant Classification Sherloc (09022015). Collection method: clinical testing. Allele origin: germline.
Comment: In summary, the available evidence is currently insufficient to determine the role of this variant in disease. Therefore, it has been classified as a Variant of Uncertain Significance. Advanced modeling of protein sequence and biophysical properties (such as structural, functional, and spatial information, amino acid conservation, physicochemical variation, residue mobility, and thermodynamic stability) performed at Invitae indicates that this missense variant is not expected to disrupt COL1A2 protein function. This variant has not been reported in the literature in individuals affected with COL1A2-related conditions. This variant is not present in population databases (gnomAD no frequency). This sequence change replaces glutamic acid, which is acidic and polar, with aspartic acid, which is acidic and polar, at codon 1299 of the COL1A2 protein (p.Glu1299Asp).

NM_000089.4(COL1A2):c.3897A>C (p.Glu1299Asp)

Gene: COL1A2 (collagen type I alpha 2 chain; plus strand). Cytogenetic location: 7q21.3.
Variant type: single nucleotide variant.
Coding change: c.3897A>C on transcript NM_000089.4 (MANE Select); coding-DNA position 3897, A replaced by C.
Protein change: p.Glu1299Asp; replaces glutamic acid 1299 with aspartic acid.
Molecular consequence: missense variant.
Genome position (GRCh38, 1-based): chr7:94,429,373, A>C. VCF-style: chr7-94429373-A-C. GRCh37 (hg19) VCF-style: chr7-94058685-A-C.
Other names: short protein forms E1299D.
Identifiers: ClinVar variation 2927248 (VCV002927248.3), dbSNP rs1562908882, ClinGen allele CA368226991.